The following is an entry in ClinVar:

NM_152597.5(FSIP1):c.127-14G>T

Gene: FSIP1 (fibrous sheath interacting protein 1; minus strand). Cytogenetic location: 15q14.
Variant type: single nucleotide variant.
Coding change: c.127-14G>T on transcript NM_152597.5 (MANE Select); 14 bases into the intron before coding-DNA position 127, G replaced by T.
Molecular consequence: intron variant.
Genome position (GRCh38, 1-based): chr15:39,770,624, C>A on the plus strand (G>T on the coding strand, the complement: FSIP1 is on the minus strand). VCF-style: chr15-39770624-C-A. GRCh37 (hg19) VCF-style: chr15-40062825-C-A.
Other names: c.127-14G>T (NM_001324338.2).
Identifiers: ClinVar variation 402884 (VCV000402884.5), dbSNP rs1565560, ClinGen allele CA7473011.
Genomic context (GRCh38, chr15:39,770,624, plus strand): 5'-TCGGAGTGGTCCTCTTTACCAGAGTTCAAGTTGCTTGCAGTATCGACCTAAAAATAATTT[C>A]AAAAAAAAAACAGTTTCCGAAAATACTGTCTTTTTTTAAACTTTACATTTCTAGAATATT-3'

ClinVar aggregate classification (germline): Benign. Review status: criteria provided, multiple submitters, no conflicts (2 of 4 stars). 2 submissions from 2 submitters: Benign (2). Last evaluated 2016-03-29.

Allele frequency attached by ClinVar (database versions not stated): 1000 Genomes Project 0.24621.
gnomAD v4.1: 479,646 of 1,373,862 alleles (35%); highest among the groups gnomAD compares: Admixed American, 46%; 82,689 homozygotes.

Submissions (2):

Laboratory for Molecular Medicine, Mass General Brigham Personalized Medicine
Classification: Benign. Last evaluated: 2016-03-29. Review status: criteria provided, single submitter. Criteria: LMM Criteria. Collection method: clinical testing. Allele origin: germline.
Comment: Variant identified in a genome or exome case(s) and assessed due to predicted null impact of the variant or pathogenic assertions in the literature or databases. Disclaimer: This variant has not undergone full assessment. The following are preliminary notes: Frequency

Breakthrough Genomics
Classification: Benign. Review status: criteria provided, single submitter. Criteria: ACMG Guidelines, 2015. Collection method: not provided. Allele origin: germline. Inheritance: Unknown mechanism. Affected: yes.